The following is an entry in ClinVar:

ClinVar aggregate classification (germline): Uncertain significance (1 of 4 stars; one submission).

Conditions:
Hereditary spastic paraplegia 47. Also called: Spastic paraplegia 47, autosomal recessive; adaptor protein 4 (AP-4) deficiency syndrome; CEREBRAL PALSY, SPASTIC QUADRIPLEGIC, 5. Identifiers: Orphanet 280763, MedGen C3279738, MONDO:0013551, OMIM 614066.

Submission:

Labcorp Genetics (formerly Invitae), Labcorp
Classification: Uncertain significance for Hereditary spastic paraplegia 47. Last evaluated: 2022-08-20. Review status: criteria provided, single submitter. Criteria: Invitae Variant Classification Sherloc (09022015). Collection method: clinical testing. Allele origin: germline.
Comment: This sequence change replaces threonine, which is neutral and polar, with proline, which is neutral and non-polar, at codon 695 of the AP4B1 protein (p.Thr695Pro). This variant is not present in population databases (gnomAD no frequency). This variant has not been reported in the literature in individuals affected with AP4B1-related conditions. Algorithms developed to predict the effect of missense changes on protein structure and function are either unavailable or do not agree on the potential impact of this missense change (SIFT: "Tolerated"; PolyPhen-2: "Possibly Damaging"; Align-GVGD: "Class C0"). In summary, the available evidence is currently insufficient to determine the role of this variant in disease. Therefore, it has been classified as a Variant of Uncertain Significance.

NM_001253852.3(AP4B1):c.2083A>C (p.Thr695Pro)

Genes: AP4B1 (adaptor related protein complex 4 subunit beta 1; minus strand), AP4B1-AS1 (AP4B1 antisense RNA 1; plus strand). Cytogenetic location: 1p13.2.
Variant type: single nucleotide variant.
Coding change: c.2083A>C on transcript NM_001253852.3 (MANE Select); coding-DNA position 2083, A replaced by C.
Protein change: p.Thr695Pro; replaces threonine 695 with proline.
Molecular consequence: missense variant.
Genome position (GRCh38, 1-based): chr1:113,895,202, T>G on the plus strand (A>C on the coding strand, the complement: AP4B1 is on the minus strand). VCF-style: chr1-113895202-T-G. GRCh37 (hg19) VCF-style: chr1-114437824-T-G.
Other names: c.1786A>C, p.Thr596Pro (NM_001253853.3); c.1579A>C, p.Thr527Pro (NM_001308312.2); c.2083A>C, p.Thr695Pro (NM_006594.5); short protein forms T527P, T596P, T695P.
Identifiers: ClinVar variation 1716305 (VCV001716305.5), dbSNP rs137886060, ClinGen allele CA341706274.